The following is an entry in ClinVar:

NM_001569.4(IRAK1):c.1641C>T (p.Tyr547=)

Gene: IRAK1 (interleukin 1 receptor associated kinase 1; minus strand). Cytogenetic location: Xq28.
Variant type: single nucleotide variant.
Coding change: c.1641C>T on transcript NM_001569.4 (MANE Select); coding-DNA position 1641, C replaced by T.
Protein change: p.Tyr547=; no amino-acid change (tyrosine 547 retained).
Molecular consequence: synonymous variant.
Genome position (GRCh38, 1-based): chrX:154,013,332, G>A on the plus strand (C>T on the coding strand, the complement: IRAK1 is on the minus strand). VCF-style: chrX-154013332-G-A. GRCh37 (hg19) VCF-style: chrX-153278783-G-A.
Other names: c.1551C>T, p.Tyr517= (NM_001025242.2); c.1404C>T, p.Tyr468= (NM_001025243.2); c.1629C>T, p.Tyr543= (NM_001410701.1).
Identifiers: ClinVar variation 3037138 (VCV003037138.2), dbSNP rs782393640, ClinGen allele CA10558089.

ClinVar aggregate classification (germline): Likely benign (0 of 4 stars; one submission).

Conditions:
IRAK1-related disorder. Also called: IRAK1-related condition.

Allele frequency attached by ClinVar (database versions not stated): gnomAD 0.00001; gnomAD exomes 0.00002; ExAC 0.00004.
gnomAD v4.1: 19 of 1,205,844 alleles (0.0016%); highest among the groups gnomAD compares: Non-Finnish European, 0.0019%; no homozygotes.

Submission:

PreventionGenetics, part of Exact Sciences
Classification: Likely benign for IRAK1-related condition. Last evaluated: 2019-05-08. Review status: no assertion criteria provided. Collection method: clinical testing. Allele origin: germline.
Comment: This variant is classified as likely benign based on ACMG/AMP sequence variant interpretation guidelines (Richards et al. 2015 PMID: 25741868, with internal and published modifications).